The following is an entry in ClinVar:

ClinVar aggregate classification (germline): Uncertain significance. Review status: criteria provided, multiple submitters, no conflicts (2 of 4 stars). 2 submissions from 2 submitters: Uncertain significance (2). Last evaluated 2025-08-23.

Conditions:
Inborn genetic diseases. Identifiers: MedGen C0950123, MeSH D030342.
Developmental and epileptic encephalopathy, 23 (DEE23). Also called: Epileptic encephalopathy, early infantile, 23. Identifiers: Orphanet 411986, MedGen C4014492, MONDO:0014371, OMIM 615859.

Allele frequency attached by ClinVar (database versions not stated): gnomAD 0.00001 and 0.00002; gnomAD exomes 0.00001; TOPMed 0.00001; ExAC 0.00002; 1000 Genomes Project 0.00040; 1000 Genomes Project 30x 0.00047.
gnomAD v4.1: 13 of 1,608,886 alleles (0.00081%); highest among the groups gnomAD compares: South Asian, 0.0056%; no homozygotes.

Submissions (2):

Ambry Genetics
Classification: Uncertain significance for Inborn genetic diseases. Last evaluated: 2025-08-23. Review status: criteria provided, single submitter. Criteria: Ambry Variant Classification Scheme 2023. Collection method: clinical testing. Allele origin: germline.

Labcorp Genetics (formerly Invitae), Labcorp
Classification: Uncertain significance for Developmental and epileptic encephalopathy, 23. Last evaluated: 2022-07-12. Review status: criteria provided, single submitter. Criteria: Invitae Variant Classification Sherloc (09022015). Collection method: clinical testing. Allele origin: germline.
Comment: This sequence change replaces threonine, which is neutral and polar, with methionine, which is neutral and non-polar, at codon 1310 of the DOCK7 protein (p.Thr1310Met). This variant is present in population databases (rs75172286, gnomAD 0.006%). This variant has not been reported in the literature in individuals affected with DOCK7-related conditions. ClinVar contains an entry for this variant (Variation ID: 845381). Algorithms developed to predict the effect of missense changes on protein structure and function (SIFT, PolyPhen-2, Align-GVGD) all suggest that this variant is likely to be tolerated. In summary, the available evidence is currently insufficient to determine the role of this variant in disease. Therefore, it has been classified as a Variant of Uncertain Significance.

NM_001367561.1(DOCK7):c.3929C>T (p.Thr1310Met)

Gene: DOCK7 (dedicator of cytokinesis 7; minus strand). Cytogenetic location: 1p31.3.
Variant type: single nucleotide variant.
Coding change: c.3929C>T on transcript NM_001367561.1 (MANE Select); coding-DNA position 3929, C replaced by T.
Protein change: p.Thr1310Met; replaces threonine 1310 with methionine.
Molecular consequence: missense variant.
Genome position (GRCh38, 1-based): chr1:62,528,158, G>A on the plus strand (C>T on the coding strand, the complement: DOCK7 is on the minus strand). VCF-style: chr1-62528158-G-A. GRCh37 (hg19) VCF-style: chr1-62993829-G-A.
Other names: c.3929C>T, p.Thr1310Met (NM_001271999.2, NM_001330614.2); c.3836C>T, p.Thr1279Met (NM_001272000.2, NM_001272001.2, NM_033407.4); c.3836C>T (NM_033407.2); short protein forms T1310M, T1279M.
Identifiers: ClinVar variation 845381 (VCV000845381.8), dbSNP rs75172286, ClinGen allele CA885851.